The following is an entry in ClinVar:

NM_005904.4(SMAD7):c.234A>G (p.Pro78=)

Genes: SMAD7 (SMAD family member 7; minus strand), LOC130062470 (ATAC-STARR-seq lymphoblastoid silent region 9439; plus strand). Cytogenetic location: 18q21.1.
Variant type: single nucleotide variant.
Coding change: c.234A>G on transcript NM_005904.4 (MANE Select); coding-DNA position 234, A replaced by G.
Protein change: p.Pro78=; no amino-acid change (proline 78 retained).
Molecular consequence: synonymous variant.
Genome position (GRCh38, 1-based): chr18:48,950,191, T>C on the plus strand (A>G on the coding strand, the complement: SMAD7 is on the minus strand). VCF-style: chr18-48950191-T-C. GRCh37 (hg19) VCF-style: chr18-46476561-T-C.
Other names: c.234A>G, p.Pro78= (NM_001190821.2).
Identifiers: ClinVar variation 3039455 (VCV003039455.2), dbSNP rs536465216, ClinGen allele CA8957858.
Genomic context (GRCh38, chr18:48,950,191, plus strand): 5'-CGAGTGCGTGAGCGCCTTCAGATCCGCCTCGGCGCCCCCGGCCGCGCCGGCGCCCGCGGC[T>C]GGCGGGTGGGGATGGTGGTGACCTTTGGCACCTCGCACCGCCTTGCCCAGGCAGCATCCA-3'
Protein context (NP_005895.1, residues 68-88): GAKGHHHPHP[Pro78=]AAGAGAAGGA

ClinVar aggregate classification (germline): Benign (0 of 4 stars; one submission).

Conditions:
SMAD7-related disorder. Also called: SMAD7-related condition.

Allele frequency attached by ClinVar (database versions not stated): ExAC 0.00012; gnomAD exomes 0.00014; gnomAD 0.00256; TOPMed 0.00260; 1000 Genomes Project 0.00280.
gnomAD v4.1: 578 of 1,485,810 alleles (0.039%); highest among the groups gnomAD compares: African/African-American, 0.72%; 2 homozygotes.

Submission:

PreventionGenetics, part of Exact Sciences
Classification: Benign for SMAD7-related condition. Last evaluated: 2019-03-08. Review status: no assertion criteria provided. Collection method: clinical testing. Allele origin: germline.
Comment: This variant is classified as benign based on ACMG/AMP sequence variant interpretation guidelines (Richards et al. 2015 PMID: 25741868, with internal and published modifications).